The following is an entry in ClinVar:

ClinVar aggregate classification (germline): Uncertain significance (1 of 4 stars; one submission).

Conditions:
Neurofibromatosis, type 1 (NF1). Also called: Peripheral type neurofibromatosis; VON RECKLINGHAUSEN DISEASE; NEUROFIBROMATOSIS, TYPE I, SOMATIC; Neurofibromatosis, type I. Identifiers: Orphanet 636, MedGen C0027831, MONDO:0018975, OMIM 162200. Disease mechanism: loss of function.

Submission:

Labcorp Genetics (formerly Invitae), Labcorp
Classification: Uncertain significance for Neurofibromatosis, type 1. Last evaluated: 2025-09-08. Review status: criteria provided, single submitter. Criteria: Invitae Variant Classification Sherloc (09022015). Collection method: clinical testing. Allele origin: germline.
Comment: This sequence change falls in intron 33 of the NF1 gene. It does not directly change the encoded amino acid sequence of the NF1 protein. This variant is not present in population databases (gnomAD no frequency). This variant has not been reported in the literature in individuals affected with NF1-related conditions. ClinVar contains an entry for this variant (Variation ID: 964230). Algorithms developed to predict the effect of sequence changes on RNA splicing suggest that this variant may disrupt the consensus splice site. In summary, the available evidence is currently insufficient to determine the role of this variant in disease. Therefore, it has been classified as a Variant of Uncertain Significance.

NM_001042492.3(NF1):c.4578-7T>A

Gene: NF1 (neurofibromin 1; plus strand). Cytogenetic location: 17q11.2.
Variant type: single nucleotide variant.
Coding change: c.4578-7T>A on transcript NM_001042492.3 (MANE Select); 7 bases into the intron before coding-DNA position 4578, T replaced by A.
Molecular consequence: intron variant.
Genome position (GRCh38, 1-based): chr17:31,261,704, T>A. VCF-style: chr17-31261704-T-A. GRCh37 (hg19) VCF-style: chr17-29588722-T-A.
Other names: c.4515-7T>A (NM_000267.4).
Identifiers: ClinVar variation 964230 (VCV000964230.6), dbSNP rs2067689107, ClinGen allele CA1139665373.
Genomic context (GRCh38, chr17:31,261,704, plus strand): 5'-GTTAAAGAAATGTGTAGTGCTAAATGTGAACTGCTAATTTTTTTTCTAAGTAGTTTGCTG[T>A]ATCTAGGGATCATAAAGCTGTTGGAAGACGACCTTTTGATAAGATGGCAACACTTCTTGC-3'